The following is an entry in ClinVar:

NM_000081.4(LYST):c.10701+110dup

Gene: LYST (lysosomal trafficking regulator; minus strand). Cytogenetic location: 1q42.3.
Variant type: Duplication.
Coding change: c.10701+110dup on transcript NM_000081.4 (MANE Select); 110 bases into the intron after coding-DNA position 10701, one base duplicated (G; older notation c.10701+110dupG).
Molecular consequence: intron variant.
Genome position (GRCh38, 1-based): chr1:235,693,239, C duplicated on the plus strand (G on the coding strand, the reverse complement: LYST is on the minus strand); the first of 2 consecutive C bases (chr1:235,693,239-235,693,240); duplicating either gives the same sequence. VCF-style (leftmost placement, unchanged base first): chr1-235693238-G-GC. GRCh37 (hg19) VCF-style: chr1-235856538-G-GC.
Other names: c.10701+110dup (NM_001301365.1).
Identifiers: ClinVar variation 684366 (VCV000684366.1), dbSNP rs5781839, ClinGen allele CA39584356.

ClinVar aggregate classification (germline): Benign (1 of 4 stars; one submission).

Submission:

GeneDx
Classification: Benign. Last evaluated: 2018-06-19. Review status: criteria provided, single submitter. Criteria: GeneDx Variant Classification (06012015). Collection method: clinical testing. Allele origin: germline. Affected: yes.
Comment: This variant is considered likely benign or benign based on one or more of the following criteria: it is a conservative change, it occurs at a poorly conserved position in the protein, it is predicted to be benign by multiple in silico algorithms, and/or has population frequency not consistent with disease.